The following is an entry in ClinVar:

NM_014915.3(ANKRD26):c.3093A>G (p.Glu1031=)

Gene: ANKRD26 (ankyrin repeat domain 26; minus strand). Cytogenetic location: 10p12.1.
Variant type: single nucleotide variant.
Coding change: c.3093A>G on transcript NM_014915.3 (MANE Select); coding-DNA position 3093, A replaced by G.
Protein change: p.Glu1031=; no amino-acid change (glutamic acid 1031 retained).
Molecular consequence: synonymous variant.
Genome position (GRCh38, 1-based): chr10:27,035,357, T>C on the plus strand (A>G on the coding strand, the complement: ANKRD26 is on the minus strand). VCF-style: chr10-27035357-T-C. GRCh37 (hg19) VCF-style: chr10-27324286-T-C.
Other names: c.3090A>G, p.Glu1030= (NM_001256053.2).
Identifiers: ClinVar variation 2033026 (VCV002033026.6), dbSNP rs1352284195, ClinGen allele CA468660328.
Genomic context (GRCh38, chr10:27,035,357, plus strand): 5'-ATCAAAATTCATTTTGTCCTGTAAACGAGAACATTCATCTCTTGCTCTCTGGAAAGCAAG[T>C]TCTAGTTCTCTTTTTGATGTCTCACTTTGATCACGATCATGTATAGCAGCAGCCAATCTA-3'
Protein context (NP_055730.2, residues 1021-1041): DQSETSKREL[Glu1031=]LAFQRARDEC

ClinVar aggregate classification (germline): Likely benign. Review status: criteria provided, multiple submitters, no conflicts (2 of 4 stars). 3 submissions from 3 submitters: Likely benign (3). Last evaluated 2025-03-24.

Conditions:
ANKRD26-related disorder. Also called: ANKRD26-related condition.
Inborn genetic diseases. Identifiers: MedGen C0950123, MeSH D030342.

Allele frequency attached by ClinVar (database versions not stated): gnomAD exomes below 0.00001; TOPMed below 0.00001; gnomAD 0.00001.
gnomAD v4.1: 3 of 1,613,840 alleles (0.00019%); highest among the groups gnomAD compares: Non-Finnish European, 0.00017%; no homozygotes.

Submissions (3):

Ambry Genetics
Classification: Likely benign for Inborn genetic diseases. Last evaluated: 2025-03-24. Review status: criteria provided, single submitter. Criteria: Ambry Variant Classification Scheme 2023. Collection method: clinical testing. Allele origin: germline.

PreventionGenetics, part of Exact Sciences
Classification: Likely benign for ANKRD26-related condition. Last evaluated: 2025-02-12. Review status: criteria provided, single submitter. Criteria: ACMG Guidelines, 2015. Collection method: clinical testing. Allele origin: germline.
Comment: This variant is classified as likely benign based on ACMG/AMP sequence variant interpretation guidelines (Richards et al. 2015 PMID: 25741868, with internal and published modifications).

Labcorp Genetics (formerly Invitae), Labcorp
Classification: Likely benign. Last evaluated: 2024-03-01. Review status: criteria provided, single submitter. Criteria: Invitae Variant Classification Sherloc (09022015). Collection method: clinical testing. Allele origin: germline.